The following is an entry in ClinVar:

NM_000127.3(EXT1):c.1253C>G (p.Ser418Ter)

Gene: EXT1 (exostosin glycosyltransferase 1; minus strand). Cytogenetic location: 8q24.11.
Variant type: single nucleotide variant.
Coding change: c.1253C>G on transcript NM_000127.3 (MANE Select); coding-DNA position 1253, C replaced by G.
Protein change: p.Ser418Ter; replaces serine 418 with a stop codon.
Molecular consequence: nonsense.
Genome position (GRCh38, 1-based): chr8:117,830,261, G>C on the plus strand (C>G on the coding strand, the complement: EXT1 is on the minus strand). VCF-style: chr8-117830261-G-C. GRCh37 (hg19) VCF-style: chr8-118842500-G-C.
Other names: short protein forms S418*.
Identifiers: ClinVar variation 3656616 (VCV003656616.3).

ClinVar aggregate classification (germline): Pathogenic/Likely pathogenic. Review status: criteria provided, multiple submitters, no conflicts (2 of 4 stars). 2 submissions from 2 submitters: Pathogenic (1); Likely pathogenic (1). Last evaluated 2024-12-16.

Conditions:
Multiple congenital exostosis (EXT). Also called: Hereditary multiple osteochondromas; Multiple exostoses; Multiple osteochondromas; MULTIPLE CARTILAGINOUS EXOSTOSES; Hereditary multiple exostoses; Hereditary multiple exostosis. Identifiers: Orphanet 321, MedGen C0015306, MONDO:0005508, HP:0002762.
EXT1-related disorder. Also called: EXT1-related condition.

Submissions (2):

PreventionGenetics, part of Exact Sciences
Classification: Likely pathogenic for EXT1-related condition. Last evaluated: 2024-12-16. Review status: criteria provided, single submitter. Criteria: ACMG Guidelines, 2015. Collection method: clinical testing. Allele origin: germline.
Comment: The EXT1 c.1253C>G variant is predicted to result in premature protein termination (p.Ser418*). To our knowledge, this variant has not been reported in the literature or in a large population database (gnomAD), indicating this variant is rare. Nonsense variants in EXT1 are expected to be pathogenic. This variant is interpreted as likely pathogenic.

Labcorp Genetics (formerly Invitae), Labcorp
Classification: Pathogenic for Multiple congenital exostosis. Last evaluated: 2024-06-13. Review status: criteria provided, single submitter. Criteria: Invitae Variant Classification Sherloc (09022015). Collection method: clinical testing. Allele origin: germline.
Comment: This sequence change creates a premature translational stop signal (p.Ser418*) in the EXT1 gene. It is expected to result in an absent or disrupted protein product. Loss-of-function variants in EXT1 are known to be pathogenic (PMID: 10679937, 11391482, 19810120). This variant is not present in population databases (gnomAD no frequency). This variant has not been reported in the literature in individuals affected with EXT1-related conditions. Algorithms developed to predict the effect of sequence changes on RNA splicing suggest that this variant may disrupt the consensus splice site. For these reasons, this variant has been classified as Pathogenic.

Literature cited by the submitters: PubMed 10679937 (cited by Labcorp Genetics (formerly Invitae), Labcorp); PubMed 11391482 (cited by Labcorp Genetics (formerly Invitae), Labcorp); PubMed 19810120 (cited by Labcorp Genetics (formerly Invitae), Labcorp).